The following is an entry in ClinVar:

ClinVar aggregate classification (germline): Uncertain significance (1 of 4 stars; one submission).

Submission:

Ambry Genetics
Classification: Uncertain significance. Last evaluated: 2026-07-30. Review status: criteria provided, single submitter. Criteria: Ambry Variant Classification Scheme 2023. Collection method: clinical testing. Allele origin: germline.
Comment: The p.Y637* variant (also known as c.1911T>G), located in coding exon 11 of the PALLD gene, results from a T to G substitution at nucleotide position 1911. This changes the amino acid from a tyrosine to a stop codon within coding exon 11. The evidence for this gene-disease relationship is limited; therefore, the clinical significance of this variant is unclear.

NM_001166108.2(PALLD):c.*97T>G

Genes: CBR4 (carbonyl reductase 4; minus strand), PALLD (palladin, cytoskeletal associated protein; plus strand). Cytogenetic location: 4q32.3.
Variant type: single nucleotide variant.
Coding change: c.*97T>G on transcript NM_001166108.2 (MANE Select); 97 bases downstream of the stop codon, T replaced by G.
Molecular consequence: 3 prime UTR variant. On other transcripts: nonsense (4).
Genome position (GRCh38, 1-based): chr4:168,926,277, T>G. VCF-style: chr4-168926277-T-G. GRCh37 (hg19) VCF-style: chr4-169847428-T-G.
Other names: c.2226T>G, p.Tyr742Ter (NM_001166109.2); c.1911T>G, p.Tyr637Ter (NM_001166110.2); c.*97T>G (NM_001367567.1, NM_001367570.1, NM_016081.4); c.1302T>G, p.Tyr434Ter (NM_001367568.1); c.1251T>G, p.Tyr417Ter (NM_001367569.1); short protein forms Y417*, Y434*, Y637*, Y742*.
Identifiers: ClinVar variation 3927524 (VCV003927524.2).